The following is an entry in ClinVar:

NM_003835.4(RGS9):c.609C>T (p.Tyr203=)

Gene: RGS9 (regulator of G protein signaling 9; plus strand). Cytogenetic location: 17q24.1.
Variant type: single nucleotide variant.
Coding change: c.609C>T on transcript NM_003835.4 (MANE Select); coding-DNA position 609, C replaced by T.
Protein change: p.Tyr203=; no amino-acid change (tyrosine 203 retained).
Molecular consequence: synonymous variant.
Genome position (GRCh38, 1-based): chr17:65,177,758, C>T. VCF-style: chr17-65177758-C-T. GRCh37 (hg19) VCF-style: chr17-63173876-C-T.
Other names: c.609C>T, p.Tyr203= (NM_001081955.3, NM_001165933.2).
Identifiers: ClinVar variation 747658 (VCV000747658.24), dbSNP rs61739619, ClinGen allele CA8717743.

ClinVar aggregate classification (germline): Benign/Likely benign. Review status: criteria provided, multiple submitters, no conflicts (2 of 4 stars). 3 submissions from 3 submitters: Benign (1); Likely benign (2). Last evaluated 2026-01-27.

Allele frequency attached by ClinVar (database versions not stated): gnomAD exomes 0.00022 and 0.00053; TOPMed 0.00050; ExAC 0.00057; gnomAD 0.00061 and 0.00066; ESP Exome Variant Server 0.00065; 1000 Genomes Project 30x 0.00156; 1000 Genomes Project 0.00180.
gnomAD v4.1: 442 of 1,614,132 alleles (0.027%); highest among the groups gnomAD compares: South Asian, 0.27%; 2 homozygotes.

Submissions (3):

Labcorp Genetics (formerly Invitae), Labcorp
Classification: Benign. Last evaluated: 2026-01-27. Review status: criteria provided, single submitter. Criteria: Invitae Variant Classification Sherloc (09022015). Collection method: clinical testing. Allele origin: germline.

CeGaT Center for Human Genetics Tuebingen
Classification: Likely benign. Last evaluated: 2024-11-01. Review status: criteria provided, single submitter. Criteria: CeGaT Center For Human Genetics Tuebingen Variant Classification Criteria Version 2. Collection method: clinical testing. Allele origin: germline. Affected: yes. Observed: 1 variant allele.
Comment: RGS9: BP4, BP7

Blueprint Genetics
Classification: Likely benign. Last evaluated: 2024-08-28. Review status: criteria provided, single submitter. Criteria: ACMG Guidelines, 2015. Collection method: clinical testing. Allele origin: germline.